The following is an entry in ClinVar:

NM_000435.3(NOTCH3):c.2935G>A (p.Ala979Thr)

Gene: NOTCH3 (notch receptor 3; minus strand). Cytogenetic location: 19p13.12.
Variant type: single nucleotide variant.
Coding change: c.2935G>A on transcript NM_000435.3 (MANE Select); coding-DNA position 2935, G replaced by A.
Protein change: p.Ala979Thr; replaces alanine 979 with threonine.
Molecular consequence: missense variant.
Genome position (GRCh38, 1-based): chr19:15,181,020, C>T on the plus strand (G>A on the coding strand, the complement: NOTCH3 is on the minus strand). VCF-style: chr19-15181020-C-T. GRCh37 (hg19) VCF-style: chr19-15291831-C-T.
Other names: short protein forms A979T.
Identifiers: ClinVar variation 3406952 (VCV003406952.3).

ClinVar aggregate classification (germline): Uncertain significance. Review status: criteria provided, multiple submitters, no conflicts (2 of 4 stars). 2 submissions from 2 submitters: Uncertain significance (2). Last evaluated 2024-10-06.

Conditions:
Inborn genetic diseases. Identifiers: MedGen C0950123, MeSH D030342.

gnomAD v4.1: 18 of 1,598,470 alleles (0.0011%); highest among the groups gnomAD compares: Admixed American, 0.029%; no homozygotes.

Submissions (2):

Ambry Genetics
Classification: Uncertain significance for Inborn genetic diseases. Last evaluated: 2024-10-06. Review status: criteria provided, single submitter. Criteria: Ambry Variant Classification Scheme 2023. Collection method: clinical testing. Allele origin: germline.

Labcorp Genetics (formerly Invitae), Labcorp
Classification: Uncertain significance. Last evaluated: 2024-04-22. Review status: criteria provided, single submitter. Criteria: Invitae Variant Classification Sherloc (09022015). Collection method: clinical testing. Allele origin: germline.
Comment: This sequence change replaces alanine, which is neutral and non-polar, with threonine, which is neutral and polar, at codon 979 of the NOTCH3 protein (p.Ala979Thr). This variant is not present in population databases (gnomAD no frequency). This variant has not been reported in the literature in individuals affected with NOTCH3-related conditions. Advanced modeling of protein sequence and biophysical properties (such as structural, functional, and spatial information, amino acid conservation, physicochemical variation, residue mobility, and thermodynamic stability) performed at Invitae indicates that this missense variant is not expected to disrupt NOTCH3 protein function with a negative predictive value of 95%. In summary, the available evidence is currently insufficient to determine the role of this variant in disease. Therefore, it has been classified as a Variant of Uncertain Significance.